The following is an entry in ClinVar:

ClinVar aggregate classification (germline): Uncertain significance (1 of 4 stars; one submission).

Conditions:
Ullrich congenital muscular dystrophy 2 (UCMD2). Identifiers: Orphanet 75840, MedGen C4225314, MONDO:0014654, OMIM 616470.
Bethlem myopathy 2 (BTHLM2). Identifiers: Orphanet 536516, Orphanet 610, MedGen C4225313, MONDO:0034022, OMIM 616471.

Allele frequency attached by ClinVar (database versions not stated): TOPMed below 0.00001.
gnomAD v4.1: 1 of 1,614,140 alleles (0.000062%); highest among the groups gnomAD compares: South Asian, 0.0011%; no homozygotes.

Submission:

Labcorp Genetics (formerly Invitae), Labcorp
Classification: Uncertain significance for Bethlem myopathy 2; Ullrich congenital muscular dystrophy 2. Last evaluated: 2024-01-20. Review status: criteria provided, single submitter. Criteria: Invitae Variant Classification Sherloc (09022015). Collection method: clinical testing. Allele origin: germline.
Comment: This sequence change replaces phenylalanine, which is neutral and non-polar, with leucine, which is neutral and non-polar, at codon 456 of the COL12A1 protein (p.Phe456Leu). This variant is present in population databases (no rsID available, gnomAD 0.007%). This variant has not been reported in the literature in individuals affected with COL12A1-related conditions. Advanced modeling of protein sequence and biophysical properties (such as structural, functional, and spatial information, amino acid conservation, physicochemical variation, residue mobility, and thermodynamic stability) has been performed at Invitae for this missense variant, however the output from this modeling did not meet the statistical confidence thresholds required to predict the impact of this variant on COL12A1 protein function. In summary, the available evidence is currently insufficient to determine the role of this variant in disease. Therefore, it has been classified as a Variant of Uncertain Significance.

NM_004370.6(COL12A1):c.1368T>A (p.Phe456Leu)

Gene: COL12A1 (collagen type XII alpha 1 chain; minus strand). Cytogenetic location: 6q13.
Variant type: single nucleotide variant.
Coding change: c.1368T>A on transcript NM_004370.6 (MANE Select); coding-DNA position 1368, T replaced by A.
Protein change: p.Phe456Leu; replaces phenylalanine 456 with leucine.
Molecular consequence: missense variant. On other transcripts: intron variant (2).
Genome position (GRCh38, 1-based): chr6:75,183,573, A>T on the plus strand (T>A on the coding strand, the complement: COL12A1 is on the minus strand). VCF-style: chr6-75183573-A-T. GRCh37 (hg19) VCF-style: chr6-75893289-A-T.
Other names: c.1368T>A, p.Phe456Leu (NM_001424113.1, NM_001424114.1, NM_001424115.1); c.73+19147T>A (NM_001424116.1, NM_080645.3); short protein forms F456L.
Identifiers: ClinVar variation 2947156 (VCV002947156.3), dbSNP rs1307343518, ClinGen allele CA364771455.